The following is an entry in ClinVar:

NM_000143.4(FH):c.290G>A (p.Gly97Asp)

Gene: FH (fumarate hydratase; minus strand). Cytogenetic location: 1q43.
Variant type: single nucleotide variant.
Coding change: c.290G>A on transcript NM_000143.4 (MANE Select); coding-DNA position 290, G replaced by A.
Protein change: p.Gly97Asp; replaces glycine 97 with aspartic acid.
Molecular consequence: missense variant.
Genome position (GRCh38, 1-based): chr1:241,513,691, C>T on the plus strand (G>A on the coding strand, the complement: FH is on the minus strand). VCF-style: chr1-241513691-C-T. GRCh37 (hg19) VCF-style: chr1-241676991-C-T.
Other names: short protein forms G97D.
Identifiers: ClinVar variation 4871828 (VCV004871828.2), dbSNP rs2147923073.

ClinVar aggregate classification (germline): Conflicting classifications of pathogenicity. Review status: criteria provided, conflicting classifications (1 of 4 stars). 2 submissions from 2 submitters: Likely pathogenic (1); Uncertain significance (1). Last evaluated 2026-07-09.

Conditions:
Hereditary cancer-predisposing syndrome. Also called: Neoplastic Syndromes, Hereditary; Tumor predisposition; Hereditary Cancer Syndrome; Hereditary neoplastic syndrome. Identifiers: Orphanet 140162, MedGen C0027672, MeSH D009386, MONDO:0015356.
Hereditary leiomyomatosis and renal cell cancer. Also called: FH tumor predisposition syndrome; MULTIPLE CUTANEOUS AND UTERINE LEIOMYOMATA 1, WITH OR WITHOUT RENAL CELL CARCINOMA; LEIOMYOMA, MULTIPLE CUTANEOUS; Multiple cutaneous leiomyomas; Reed syndrome; Multiple cutaneous and uterine leiomyomatosis. Identifiers: Orphanet 523, MedGen C1708350, MONDO:0007888, OMIM 150800, HP:0007437. Disease mechanism: loss of function.

Submissions (2):

Ambry Genetics
Classification: Uncertain significance for Hereditary cancer-predisposing syndrome. Last evaluated: 2026-07-09. Review status: criteria provided, single submitter. Criteria: Ambry Variant Classification Scheme 2023. Collection method: clinical testing. Allele origin: germline.
Comment: The p.G97D variant (also known as c.290G>A), located in coding exon 3 of the FH gene, results from a G to A substitution at nucleotide position 290. The glycine at codon 97 is replaced by aspartic acid, an amino acid with similar properties. This variant was reported in individuals with features consistent with FH-related tumor predisposition (Nagashima A et al. Diagnostics (Basel), 2024 Jun;14:; Muller M et al. Clin Genet, 2017 Dec;92:606-615). This amino acid position is highly conserved in available vertebrate species. In addition, this alteration is predicted to be deleterious by in silico analysis. Based on the available evidence, the clinical significance of this variant remains unclear.

Department of Clinical Genetics, Copenhagen University Hospital, Rigshospitalet
Classification: Likely pathogenic for Hereditary leiomyomatosis and renal cell cancer. Last evaluated: 2026-02-04. Review status: criteria provided, single submitter. Criteria: ACMG Guidelines, 2015. Collection method: clinical testing. Allele origin: germline.
Comment: The following ACMG criteria has been used: PM2_SUP (not reported in gnomAD v.4.1); PP3 (Revel score0.920); PS3_Strong (PMID:28300276)

Literature cited by the submitters: PubMed 28300276 (cited by Ambry Genetics and Department of Clinical Genetics, Copenhagen University Hospital, Rigshospitalet); PubMed 38928693 (cited by Ambry Genetics and Department of Clinical Genetics, Copenhagen University Hospital, Rigshospitalet).